The following is an entry in ClinVar:

ClinVar aggregate classification (germline): Benign/Likely benign. Review status: criteria provided, multiple submitters, no conflicts (2 of 4 stars). 3 submissions from 3 submitters: Benign (1); Likely benign (2). Last evaluated 2024-12-23.

Conditions:
Hereditary nonpolyposis colorectal neoplasms. Identifiers: MedGen C0009405, MeSH D003123.
Hereditary cancer-predisposing syndrome. Also called: Neoplastic Syndromes, Hereditary; Hereditary Cancer Syndrome; Hereditary neoplastic syndrome; Tumor predisposition. Identifiers: Orphanet 140162, MedGen C0027672, MeSH D009386, MONDO:0015356.
Lynch syndrome 5 (LYNCH5). Also called: Colorectal cancer, hereditary nonpolyposis, type 5; Hereditary non-polyposis colorectal cancer, type 5. Identifiers: Orphanet 144, MedGen C1833477, MONDO:0013710, OMIM 614350. Disease mechanism: loss of function.

Allele frequency attached by ClinVar (database versions not stated): gnomAD 0.00001.
gnomAD v4.1: 1 of 1,614,046 alleles (0.000062%); highest among the groups gnomAD compares: African/African-American, 0.0013%; no homozygotes.

Submissions (3):

Myriad Genetics, Inc.
Classification: Benign for Lynch syndrome 5. Last evaluated: 2024-12-23. Review status: criteria provided, single submitter. Criteria: Myriad Autosomal Dominant, Autosomal Recessive and X-Linked Classification Criteria (2023). Collection method: clinical testing. Allele origin: unknown.
Comment: This variant is considered benign. This variant is a silent/synonymous amino acid change and it is not expected to impact splicing.

Ambry Genetics
Classification: Likely benign for Hereditary cancer-predisposing syndrome. Last evaluated: 2024-04-08. Review status: criteria provided, single submitter. Criteria: Ambry Variant Classification Scheme 2023. Collection method: clinical testing. Allele origin: germline.

Labcorp Genetics (formerly Invitae), Labcorp
Classification: Likely benign for Hereditary nonpolyposis colorectal neoplasms. Last evaluated: 2023-12-02. Review status: criteria provided, single submitter. Criteria: Invitae Variant Classification Sherloc (09022015). Collection method: clinical testing. Allele origin: germline.

NM_000179.3(MSH6):c.1251G>A (p.Lys417=)

Gene: MSH6 (mutS homolog 6; plus strand). Cytogenetic location: 2p16.3.
Variant type: single nucleotide variant.
Coding change: c.1251G>A on transcript NM_000179.3 (MANE Select); coding-DNA position 1251, G replaced by A.
Protein change: p.Lys417=; no amino-acid change (lysine 417 retained).
Molecular consequence: synonymous variant.
Genome position (GRCh38, 1-based): chr2:47,799,234, G>A. VCF-style: chr2-47799234-G-A. GRCh37 (hg19) VCF-style: chr2-48026373-G-A.
Other names: c.861G>A, p.Lys287= (NM_001281492.2); c.345G>A, p.Lys115= (NM_001281493.2, NM_001281494.2); c.1251G>A (NM_000179.2).
Identifiers: ClinVar variation 1650937 (VCV001650937.10), dbSNP rs1669312251, ClinGen allele CA426120874.